The following is an entry in ClinVar:

ClinVar aggregate classification (germline): Uncertain significance (1 of 4 stars; one submission).

Conditions:
Familial adenomatous polyposis 2. Also called: FAP type 2; COLORECTAL ADENOMATOUS POLYPOSIS, AUTOSOMAL RECESSIVE; ADENOMAS, MULTIPLE COLORECTAL, AUTOSOMAL RECESSIVE; MYH-associated polyposis; Adenomas, multiple colorectal; MUTYH-associated polyposis. Identifiers: Orphanet 220460, Orphanet 247798, MedGen C3272841, MONDO:0012041, OMIM 608456.

Submission:

Labcorp Genetics (formerly Invitae), Labcorp
Classification: Uncertain significance for Familial adenomatous polyposis 2. Last evaluated: 2024-07-04. Review status: criteria provided, single submitter. Criteria: Invitae Variant Classification Sherloc (09022015). Collection method: clinical testing. Allele origin: germline.
Comment: This sequence change affects a splice site in intron 15 of the MUTYH gene. While this variant is not anticipated to result in nonsense mediated decay, it likely alters RNA splicing and results in a disrupted protein product. This variant is not present in population databases (gnomAD no frequency). This variant has not been reported in the literature in individuals affected with MUTYH-related conditions. Variants that disrupt the consensus splice site are a relatively common cause of aberrant splicing (PMID: 17576681, 9536098). Algorithms developed to predict the effect of sequence changes on RNA splicing suggest that this variant may disrupt the consensus splice site. In summary, the available evidence is currently insufficient to determine the role of this variant in disease. Therefore, it has been classified as a Variant of Uncertain Significance.

Literature cited by the submitters: PubMed 17576681; PubMed 9536098.

NM_001048174.2(MUTYH):c.1435-2del

Gene: MUTYH (mutY DNA glycosylase; minus strand). Cytogenetic location: 1p34.1.
Variant type: Deletion.
Coding change: c.1435-2del on transcript NM_001048174.2 (MANE Select); the canonical splice acceptor site of the intron before coding-DNA position 1435, one base deleted (A; older notation c.1435-2delA).
Molecular consequence: splice acceptor variant.
Genome position (GRCh38, 1-based): chr1:45,329,439, T deleted on the plus strand (A on the coding strand, the reverse complement: MUTYH is on the minus strand). VCF-style (leftmost placement, unchanged base first): chr1-45329438-CT-C. GRCh37 (hg19) VCF-style: chr1-45795110-CT-C.
Other names: c.1435-2del (NM_001407072.1, NM_001407073.1, NM_001048171.2 and 6 more transcripts); c.1090-2del (NM_001350651.2, NM_001350650.2, NM_001407082.1); c.1159-2del (NM_001293192.2, NM_001293196.2, NM_001407091.1); c.1480-2del (NM_001293190.2); c.1468-2del (NM_001407069.1, NM_001407077.1, NM_001293191.2); c.1510-2del (NM_012222.3); c.1519-2del (NM_001128425.2); c.1438-2del (NM_001407071.1, NM_001048172.2, NM_001407078.1 and 1 more transcripts); and 5 more.
Identifiers: ClinVar variation 3658750 (VCV003658750.2).